The following is an entry in ClinVar:

NM_000179.3(MSH6):c.353C>A (p.Thr118Lys)

Gene: MSH6 (mutS homolog 6; plus strand). Cytogenetic location: 2p16.3.
Variant type: single nucleotide variant.
Coding change: c.353C>A on transcript NM_000179.3 (MANE Select); coding-DNA position 353, C replaced by A.
Protein change: p.Thr118Lys; replaces threonine 118 with lysine.
Molecular consequence: missense variant. On other transcripts: 5 prime UTR variant (2), intron variant (1).
Genome position (GRCh38, 1-based): chr2:47,791,019, C>A. VCF-style: chr2-47791019-C-A. GRCh37 (hg19) VCF-style: chr2-48018158-C-A.
Other names: c.-384C>A (NM_001281493.2); c.-550C>A (NM_001281494.2); c.237+7549C>A (NM_001281492.2); short protein forms T118K.
Identifiers: ClinVar variation 479956 (VCV000479956.14), dbSNP rs746060136, ClinGen allele CA071156.
Genomic context (GRCh38, chr2:47,791,019, plus strand): 5'-CCAAGATGGAGGGTTACCCCTGGTGGCCTTGTCTGGTTTACAACCACCCCTTTGATGGAA[C>A]ATTCATCCGCGAGAAAGGGAAATCAGTCCGTGTTCATGTACAGTTTTTTGATGACAGCCC-3'
Protein context (NP_000170.1, residues 108-128): CLVYNHPFDG[Thr118Lys]FIREKGKSVR

ClinVar aggregate classification (germline): Conflicting classifications of pathogenicity. Review status: criteria provided, conflicting classifications (1 of 4 stars). 3 submissions from 3 submitters: Uncertain significance (2); Likely benign (1). Last evaluated 2024-08-22.

Conditions:
Lynch syndrome. Identifiers: Orphanet 144, MedGen C4552100, MONDO:0005835. Disease mechanism: loss of function.
Hereditary nonpolyposis colorectal neoplasms. Identifiers: MedGen C0009405, MeSH D003123.
Hereditary cancer-predisposing syndrome. Also called: Neoplastic Syndromes, Hereditary; Hereditary Cancer Syndrome; Hereditary neoplastic syndrome; Tumor predisposition. Identifiers: Orphanet 140162, MedGen C0027672, MeSH D009386, MONDO:0015356.

Allele frequency attached by ClinVar (database versions not stated): ExAC 0.00001; gnomAD exomes below 0.00001.

Submissions (3):

Labcorp Genetics (formerly Invitae), Labcorp
Classification: Likely benign for Hereditary nonpolyposis colorectal neoplasms. Last evaluated: 2024-08-22. Review status: criteria provided, single submitter. Criteria: Invitae Variant Classification Sherloc (09022015). Collection method: clinical testing. Allele origin: germline.

All of Us Research Program, National Institutes of Health
Classification: Uncertain significance for Lynch syndrome. Last evaluated: 2024-08-06. Review status: criteria provided, single submitter. Criteria: ACMG Guidelines, 2015. Collection method: clinical testing. Allele origin: germline. Inheritance: Autosomal dominant inheritance. Observed: 1 variant allele, 1 heterozygote.
Comment: This study involves interpretation of variants in research participants for the purpose of population health screening. Participant phenotype was not available at the time of variant classification. Additional details can be found in publication PMID: 35346344, PMCID: PMC8962531

Ambry Genetics
Classification: Uncertain significance for Hereditary cancer-predisposing syndrome. Last evaluated: 2024-05-28. Review status: criteria provided, single submitter. Criteria: Ambry Variant Classification Scheme 2023. Collection method: clinical testing. Allele origin: germline.
Comment: The p.T118K variant (also known as c.353C>A), located in coding exon 2 of the MSH6 gene, results from a C to A substitution at nucleotide position 353. The threonine at codon 118 is replaced by lysine, an amino acid with similar properties. This amino acid position is well conserved in available vertebrate species. In addition, this alteration is predicted to be tolerated by in silico analysis. Since supporting evidence is limited at this time, the clinical significance of this alteration remains unclear.